The following is an entry in ClinVar:

NM_002087.4(GRN):c.1221C>A (p.Gly407=)

Gene: GRN (granulin precursor; plus strand). Cytogenetic location: 17q21.31.
Variant type: single nucleotide variant.
Coding change: c.1221C>A on transcript NM_002087.4 (MANE Select); coding-DNA position 1221, C replaced by A.
Protein change: p.Gly407=; no amino-acid change (glycine 407 retained).
Molecular consequence: synonymous variant.
Genome position (GRCh38, 1-based): chr17:44,352,056, C>A. VCF-style: chr17-44352056-C-A. GRCh37 (hg19) VCF-style: chr17-42429424-C-A.
Other names: c.1221C>A (NM_002087.3).
Identifiers: ClinVar variation 1628827 (VCV001628827.10), dbSNP rs201630084, ClinGen allele CA290926644.
Genomic context (GRCh38, chr17:44,352,056, plus strand): 5'-TTTCCTGCCCACCCCCCAGGCTGTCTGCTGCTCGGACCACCAGCACTGCTGCCCCCAGGG[C>A]TACACGTGTGTAGCTGAGGGGCAGTGTCAGCGAGGAAGCGAGATCGTGGCTGGACTGGAG-3'
Protein context (NP_002078.1, residues 397-417): CSDHQHCCPQ[Gly407=]YTCVAEGQCQ

ClinVar aggregate classification (germline): Likely benign. Review status: criteria provided, single submitter (1 of 4 stars). 2 submissions from 2 submitters: Likely benign (1). 1 of the submissions does not count toward it. Last evaluated 2026-01-27.

Conditions:
GRN-related frontotemporal lobar degeneration with Tdp43 inclusions (FTD2). Also called: DEMENTIA, HEREDITARY DYSPHASIC DISINHIBITION; FRONTOTEMPORAL LOBAR DEGENERATION WITH UBIQUITIN-POSITIVE INCLUSIONS; FTLD-TDP, GRN-RELATED; FRONTOTEMPORAL DEMENTIA WITH TDP43 INCLUSIONS, GRN-RELATED; GRN Frontotemporal Dementia. Identifiers: Orphanet 100070, Orphanet 282, MedGen C1843792, MONDO:0011842, OMIM 607485. Disease mechanism: loss of function.
Neuronal ceroid lipofuscinosis 11. Also called: GRN-Related Neuronal Ceroid-Lipofuscinosis. Identifiers: Orphanet 314629, Orphanet 79262, MedGen C3539123, MONDO:0013866, OMIM 614706.
GRN-related disorder. Also called: GRN-related disorders; GRN-related condition.

Allele frequency attached by ClinVar (database versions not stated): gnomAD 0.00001; gnomAD exomes 0.00001; TOPMed 0.00002.
gnomAD v4.1: 18 of 1,613,666 alleles (0.0011%); highest among the groups gnomAD compares: Non-Finnish European, 0.0014%; no homozygotes.

Submissions (2):

Labcorp Genetics (formerly Invitae), Labcorp
Classification: Likely benign for Neuronal ceroid lipofuscinosis 11; GRN-related frontotemporal lobar degeneration with Tdp43 inclusions. Last evaluated: 2026-01-27. Review status: criteria provided, single submitter. Criteria: Invitae Variant Classification Sherloc (09022015). Collection method: clinical testing. Allele origin: germline.

PreventionGenetics, part of Exact Sciences
Classification: Likely benign for GRN-related condition. Last evaluated: 2022-07-20. Review status: no assertion criteria provided. Collection method: clinical testing. Allele origin: germline. Not counted in ClinVar's aggregate classification.
Comment: This variant is classified as likely benign based on ACMG/AMP sequence variant interpretation guidelines (Richards et al. 2015 PMID: 25741868, with internal and published modifications).